The following is an entry in ClinVar:

NM_016222.4(DDX41):c.1408G>A (p.Glu470Lys)

Gene: DDX41 (DEAD-box helicase 41; minus strand). Cytogenetic location: 5q35.3.
Variant type: single nucleotide variant.
Coding change: c.1408G>A on transcript NM_016222.4 (MANE Select); coding-DNA position 1408, G replaced by A.
Protein change: p.Glu470Lys; replaces glutamic acid 470 with lysine.
Molecular consequence: missense variant.
Genome position (GRCh38, 1-based): chr5:177,512,637, C>T on the plus strand (G>A on the coding strand, the complement: DDX41 is on the minus strand). VCF-style: chr5-177512637-C-T. GRCh37 (hg19) VCF-style: chr5-176939638-C-T.
Other names: c.1030G>A, p.Glu344Lys (NM_001321732.2, NM_001321830.2); c.1408G>A (NM_016222.2); short protein forms E470K, E344K.
Identifiers: ClinVar variation 4764244 (VCV004764244.2).

ClinVar aggregate classification (germline): Uncertain significance. Review status: criteria provided, multiple submitters, no conflicts (2 of 4 stars). 2 submissions from 2 submitters: Uncertain significance (2). Last evaluated 2026-06-10.

Conditions:
Inborn genetic diseases. Identifiers: MedGen C0950123, MeSH D030342.

Submissions (2):

Ambry Genetics
Classification: Uncertain significance for Inborn genetic diseases. Last evaluated: 2026-06-10. Review status: criteria provided, single submitter. Criteria: Ambry Variant Classification Scheme 2023. Collection method: clinical testing. Allele origin: germline.
Comment: The p.E470K variant (also known as c.1408G>A), located in coding exon 14 of the DDX41 gene, results from a G to A substitution at nucleotide position 1408. The glutamic acid at codon 470 is replaced by lysine, an amino acid with similar properties. This amino acid position is conserved. In addition, this alteration is predicted to be deleterious by in silico analysis. Based on the available evidence, the clinical significance of this variant remains unclear.

Labcorp Genetics (formerly Invitae), Labcorp
Classification: Uncertain significance. Last evaluated: 2025-12-04. Review status: criteria provided, single submitter. Criteria: Invitae Variant Classification Sherloc (09022015). Collection method: clinical testing. Allele origin: germline.
Comment: This sequence change replaces glutamic acid, which is acidic and polar, with lysine, which is basic and polar, at codon 470 of the DDX41 protein (p.Glu470Lys). This variant is not present in population databases (gnomAD no frequency). This variant has not been reported in the literature in individuals affected with DDX41-related conditions. An algorithm developed to predict the effect of missense changes on protein structure and function (PolyPhen-2) suggests that this variant is likely to be disruptive. In summary, the available evidence is currently insufficient to determine the role of this variant in disease. Therefore, it has been classified as a Variant of Uncertain Significance.